The following is an entry in ClinVar:

ClinVar aggregate classification (germline): Likely benign (1 of 4 stars; one submission).

Allele frequency attached by ClinVar (database versions not stated): ExAC 0.00002; gnomAD 0.00003; TOPMed 0.00003.
gnomAD v4.1: 27 of 1,610,762 alleles (0.0017%); highest among the groups gnomAD compares: East Asian, 0.0022%; no homozygotes.

Submission:

CeGaT Center for Human Genetics Tuebingen
Classification: Likely benign. Last evaluated: 2023-12-01. Review status: criteria provided, single submitter. Criteria: CeGaT Center For Human Genetics Tuebingen Variant Classification Criteria Version 2. Collection method: clinical testing. Allele origin: germline. Affected: yes. Observed: 1 variant allele.
Comment: KCNT2: BP4, BP7

NM_198503.5(KCNT2):c.1419G>A (p.Ser473=)

Gene: KCNT2 (potassium sodium-activated channel subfamily T member 2; minus strand). Cytogenetic location: 1q31.3.
Variant type: single nucleotide variant.
Coding change: c.1419G>A on transcript NM_198503.5 (MANE Select); coding-DNA position 1419, G replaced by A.
Protein change: p.Ser473=; no amino-acid change (serine 473 retained).
Molecular consequence: synonymous variant. On other transcripts: non-coding transcript variant (2), intron variant (1).
Genome position (GRCh38, 1-based): chr1:196,342,213, C>T on the plus strand (G>A on the coding strand, the complement: KCNT2 is on the minus strand). VCF-style: chr1-196342213-C-T. GRCh37 (hg19) VCF-style: chr1-196311343-C-T.
Other names: c.1419G>A, p.Ser473= (NM_001287819.3); c.1404-1643G>A (NM_001287820.3).
Identifiers: ClinVar variation 3025977 (VCV003025977.22), dbSNP rs758788707, ClinGen allele CA1304448.
Genomic context (GRCh38, chr1:196,342,213, plus strand): 5'-AACAATGTGGTAGACTTCATTCCCGGAGCATCTACCGTACATCTTCTGCCATTGTTCTGG[C>T]GATTGCTGGCCTTCTCTGCAACACAGGCACACACACATACACACACACAAAAAGAAAACA-3'
Protein context (NP_940905.2, residues 463-483): HTSRGQEGQQ[Ser473=]PEQWQKMYGR